The following is an entry in ClinVar:

NM_000091.5(COL4A3):c.4798dup (p.Ser1600fs)

Genes: COL4A3 (collagen type IV alpha 3 chain; plus strand), MFF-DT (MFF divergent transcript; minus strand). Cytogenetic location: 2q36.3.
Variant type: Duplication.
Coding change: c.4798dup on transcript NM_000091.5 (MANE Select); coding-DNA position 4798, one base duplicated (T; older notation c.4798dupT).
Protein change: p.Ser1600fs; shifts the reading frame from serine 1600.
Molecular consequence: frameshift variant.
Genome position (GRCh38, 1-based): chr2:227,310,818, T duplicated. VCF-style (leftmost placement, unchanged base first): chr2-227310817-C-CT. GRCh37 (hg19) VCF-style: chr2-228175533-C-CT.
Other names: short protein forms S1600fs.
Identifiers: ClinVar variation 4291850 (VCV004291850.1).

ClinVar aggregate classification (germline): Likely pathogenic (1 of 4 stars; one submission).

Conditions:
Alport syndrome 3b, autosomal recessive. Identifiers: MedGen C5882699, MONDO:0957811, OMIM 620536.

Submission:

3billion
Classification: Likely pathogenic for Alport syndrome 3b, autosomal recessive. Last evaluated: 2024-06-17. Review status: criteria provided, single submitter. Criteria: ACMG Guidelines, 2015. Collection method: clinical testing. Allele origin: germline. Affected: yes.
Comment: The variant is not observed in the gnomAD v4.1.0 dataset. Predicted Consequence/Location: Frameshift: predicted to result in a loss or disruption of normal protein function through nonsense-mediated decay (NMD) or protein truncation. Multiple pathogenic variants are reported downstream of the variant. Therefore, this variant is classified as Likely pathogenic according to the recommendation of ACMG/AMP guideline.